The following is an entry in ClinVar:

NM_000057.4(BLM):c.4178A>G (p.Asn1393Ser)

Gene: BLM (BLM RecQ like helicase; plus strand). Cytogenetic location: 15q26.1.
Variant type: single nucleotide variant.
Coding change: c.4178A>G on transcript NM_000057.4 (MANE Select); coding-DNA position 4178, A replaced by G.
Protein change: p.Asn1393Ser; replaces asparagine 1393 with serine.
Molecular consequence: missense variant.
Genome position (GRCh38, 1-based): chr15:90,815,203, A>G. VCF-style: chr15-90815203-A-G. GRCh37 (hg19) VCF-style: chr15-91358433-A-G.
Other names: c.4178A>G, p.Asn1393Ser (NM_001287246.2); c.3785A>G, p.Asn1262Ser (NM_001287247.2); c.3053A>G, p.Asn1018Ser (NM_001287248.2); c.4178A>G (NM_000057.2); short protein forms N1018S, N1262S, N1393S.
Identifiers: ClinVar variation 1026482 (VCV001026482.11), dbSNP rs1897529855, ClinGen allele CA393852494.

ClinVar aggregate classification (germline): Conflicting classifications of pathogenicity. Review status: criteria provided, conflicting classifications (1 of 4 stars). 3 submissions from 3 submitters: Uncertain significance (1); Likely benign (1). 1 of the submissions does not count toward it. Last evaluated 2025-10-05.

Conditions:
Hereditary cancer-predisposing syndrome. Also called: Neoplastic Syndromes, Hereditary; Tumor predisposition; Hereditary Cancer Syndrome; Hereditary neoplastic syndrome. Identifiers: Orphanet 140162, MedGen C0027672, MeSH D009386, MONDO:0015356.
Bloom syndrome (BLM). Also called: Bloom-Torre-Machacek syndrome. Identifiers: Orphanet 125, MedGen C0005859, MONDO:0008876, OMIM 210900.

Allele frequency attached by ClinVar (database versions not stated): gnomAD exomes below 0.00001.
gnomAD v4.1: 1 of 1,614,234 alleles (0.000062%); highest among the groups gnomAD compares: Non-Finnish European, 0.000085%; no homozygotes.

Submissions (3):

Ambry Genetics
Classification: Likely benign for Hereditary cancer-predisposing syndrome. Last evaluated: 2025-10-05. Review status: criteria provided, single submitter. Criteria: Ambry Variant Classification Scheme 2023. Collection method: clinical testing. Allele origin: germline.

Labcorp Genetics (formerly Invitae), Labcorp
Classification: Uncertain significance for Bloom syndrome. Last evaluated: 2025-05-12. Review status: criteria provided, single submitter. Criteria: Invitae Variant Classification Sherloc (09022015). Collection method: clinical testing. Allele origin: germline.
Comment: This sequence change replaces asparagine, which is neutral and polar, with serine, which is neutral and polar, at codon 1393 of the BLM protein (p.Asn1393Ser). This variant is not present in population databases (gnomAD no frequency). This variant has not been reported in the literature in individuals affected with BLM-related conditions. ClinVar contains an entry for this variant (Variation ID: 1026482). An algorithm developed to predict the effect of missense changes on protein structure and function outputs the following: PolyPhen-2: "Benign". The serine amino acid residue is found in multiple mammalian species, which suggests that this missense change does not adversely affect protein function. In summary, the available evidence is currently insufficient to determine the role of this variant in disease. Therefore, it has been classified as a Variant of Uncertain Significance.

Natera, Inc.
Classification: Uncertain significance for Bloom syndrome. Last evaluated: 2020-02-26. Review status: no assertion criteria provided. Collection method: clinical testing. Allele origin: germline. Not counted in ClinVar's aggregate classification.